The following is an entry in ClinVar:

ClinVar aggregate classification (germline): Conflicting classifications of pathogenicity. Review status: criteria provided, conflicting classifications (1 of 4 stars). 2 submissions from 2 submitters: Uncertain significance (1); Likely benign (1). Last evaluated 2024-10-30.

Conditions:
Inborn genetic diseases. Identifiers: MedGen C0950123, MeSH D030342.

Allele frequency attached by ClinVar (database versions not stated): gnomAD 0.00005; gnomAD exomes 0.00005; TOPMed 0.00006; ExAC 0.00008.
gnomAD v4.1: 83 of 1,593,424 alleles (0.0052%); highest among the groups gnomAD compares: Middle Eastern, 0.017%; no homozygotes.

Submissions (2):

Labcorp Genetics (formerly Invitae), Labcorp
Classification: Uncertain significance. Last evaluated: 2024-10-30. Review status: criteria provided, single submitter. Criteria: Invitae Variant Classification Sherloc (09022015). Collection method: clinical testing. Allele origin: germline.
Comment: This sequence change replaces proline, which is neutral and non-polar, with alanine, which is neutral and non-polar, at codon 2316 of the CACNA1G protein (p.Pro2316Ala). This variant is present in population databases (rs762245146, gnomAD 0.02%). This variant has not been reported in the literature in individuals affected with CACNA1G-related conditions. ClinVar contains an entry for this variant (Variation ID: 2889763). Invitae Evidence Modeling of protein sequence and biophysical properties (such as structural, functional, and spatial information, amino acid conservation, physicochemical variation, residue mobility, and thermodynamic stability) has been performed for this missense variant. However, the output from this modeling did not meet the statistical confidence thresholds required to predict the impact of this variant on CACNA1G protein function. In summary, the available evidence is currently insufficient to determine the role of this variant in disease. Therefore, it has been classified as a Variant of Uncertain Significance.

Ambry Genetics
Classification: Likely benign for Inborn genetic diseases. Last evaluated: 2024-01-09. Review status: criteria provided, single submitter. Criteria: Ambry Variant Classification Scheme 2023. Collection method: clinical testing. Allele origin: germline.

NM_018896.5(CACNA1G):c.6946C>G (p.Pro2316Ala)

Gene: CACNA1G (calcium voltage-gated channel subunit alpha1 G; plus strand). Cytogenetic location: 17q21.33.
Variant type: single nucleotide variant.
Coding change: c.6946C>G on transcript NM_018896.5 (MANE Select); coding-DNA position 6946, C replaced by G.
Protein change: p.Pro2316Ala; replaces proline 2316 with alanine.
Molecular consequence: missense variant. On other transcripts: non-coding transcript variant (5).
Genome position (GRCh38, 1-based): chr17:50,626,563, C>G. VCF-style: chr17-50626563-C-G. GRCh37 (hg19) VCF-style: chr17-48703924-C-G.
Other names: c.6688C>G, p.Pro2230Ala (NM_001256325.2); c.6676C>G, p.Pro2226Ala (NM_001256326.2); c.6646C>G, p.Pro2216Ala (NM_001256327.2); c.6592C>G, p.Pro2198Ala (NM_001256328.2); c.6565C>G, p.Pro2189Ala (NM_001256329.2, NM_198387.3); c.6532C>G, p.Pro2178Ala (NM_001256330.2); c.6511C>G, p.Pro2171Ala (NM_001256331.2); c.6496C>G, p.Pro2166Ala (NM_001256332.2); and 19 more; short protein forms P2144A, P2182A, P2198A, P2237A, P2245A, P2133A, P2171A, P2200A.
Identifiers: ClinVar variation 2889763 (VCV002889763.4), dbSNP rs762245146, ClinGen allele CA8653763.